The following is an entry in ClinVar:

NM_000500.9(CYP21A2):c.1088C>T (p.Ala363Val)

Genes: CYP21A2 (cytochrome P450 family 21 subfamily A member 2; plus strand), LOC106780800 (CYP21A2 recombination region; plus strand). Cytogenetic location: 6p21.33.
Variant type: single nucleotide variant.
Coding change: c.1088C>T on transcript NM_000500.9 (MANE Select); coding-DNA position 1088, C replaced by T.
Protein change: p.Ala363Val; replaces alanine 363 with valine.
Molecular consequence: missense variant.
Genome position (GRCh38, 1-based): chr6:32,040,554, C>T. VCF-style: chr6-32040554-C-T. GRCh37 (hg19) VCF-style: chr6-32008331-C-T.
Other names: c.998C>T, p.Ala333Val (NM_001128590.4); c.683C>T, p.Ala228Val (NM_001368143.2, NM_001368144.2); short protein forms A228V, A333V, A363V.
Identifiers: ClinVar variation 4538550 (VCV004538550.1).

ClinVar aggregate classification (germline): Likely pathogenic (1 of 4 stars; one submission).

Conditions:
21-Hydroxylase-Deficient Congenital Adrenal Hyperplasia. Also called: ADRENAL HYPERPLASIA III; ADRENAL HYPERPLASIA, CONGENITAL, DUE TO 21-HYDROXYLASE DEFICIENCY. Identifiers: MedGen C2936858, OMIM 201910.

Submission:

Lildballe Lab, Aarhus University Hospital
Classification: Likely pathogenic for congenital adrenal hyperplasia, due to 21-hydroxylase deficiency. Last evaluated: 2025-10-09. Review status: criteria provided, single submitter. Criteria: ACMG Guidelines, 2015. Collection method: research. Allele origin: germline. Affected: yes.
Comment: PM1 PP2 PM2sup PM3 (our patient and PMID:26172259)